The following is an entry in ClinVar:

NM_001408.3(CELSR2):c.106C>A (p.Pro36Thr)

Gene: CELSR2 (cadherin EGF LAG seven-pass G-type receptor 2; plus strand). Cytogenetic location: 1p13.3.
Variant type: single nucleotide variant.
Coding change: c.106C>A on transcript NM_001408.3 (MANE Select); coding-DNA position 106, C replaced by A.
Protein change: p.Pro36Thr; replaces proline 36 with threonine.
Molecular consequence: missense variant.
Genome position (GRCh38, 1-based): chr1:109,250,185, C>A. VCF-style: chr1-109250185-C-A. GRCh37 (hg19) VCF-style: chr1-109792807-C-A.
Other names: short protein forms P36T.
Identifiers: ClinVar variation 3265777 (VCV003265777.2).

ClinVar aggregate classification (germline): Uncertain significance. Review status: criteria provided, multiple submitters, no conflicts (2 of 4 stars). 2 submissions from 2 submitters: Uncertain significance (2). Last evaluated 2025-11-30.

gnomAD v4.1: 10 of 1,600,164 alleles (0.00062%); highest among the groups gnomAD compares: Admixed American, 0.018%; no homozygotes.

Submissions (2):

Labcorp Genetics (formerly Invitae), Labcorp
Classification: Uncertain significance. Last evaluated: 2025-11-30. Review status: criteria provided, single submitter. Criteria: Invitae Variant Classification Sherloc (09022015). Collection method: clinical testing. Allele origin: germline.
Comment: This sequence change replaces proline, which is neutral and non-polar, with threonine, which is neutral and polar, at codon 36 of the CELSR2 protein (p.Pro36Thr). This variant is present in population databases (rs779546356, gnomAD 0.03%). This variant has not been reported in the literature in individuals affected with CELSR2-related conditions. ClinVar contains an entry for this variant (Variation ID: 3265777). An algorithm developed to predict the effect of missense changes on protein structure and function (PolyPhen-2) suggests that this variant is likely to be disruptive. In summary, the available evidence is currently insufficient to determine the role of this variant in disease. Therefore, it has been classified as a Variant of Uncertain Significance.

Ambry Genetics
Classification: Uncertain significance. Last evaluated: 2024-05-24. Review status: criteria provided, single submitter. Criteria: Ambry Variant Classification Scheme 2023. Collection method: clinical testing. Allele origin: germline.